The following is an entry in ClinVar:

ClinVar aggregate classification (germline): Conflicting classifications of pathogenicity. Review status: criteria provided, conflicting classifications (1 of 4 stars). 3 submissions from 3 submitters: Uncertain significance (1); Likely benign (2). Last evaluated 2026-07-01.

Conditions:
Inborn genetic diseases. Identifiers: MedGen C0950123, MeSH D030342.

Allele frequency attached by ClinVar (database versions not stated): 1000 Genomes Project 30x 0.00016; ESP Exome Variant Server 0.00018; 1000 Genomes Project 0.00020; gnomAD 0.00027 and 0.00029; gnomAD exomes 0.00029 and 0.00037; TOPMed 0.00031; ExAC 0.00058.
gnomAD v4.1: 461 of 1,587,442 alleles (0.029%); highest among the groups gnomAD compares: Admixed American, 0.031%; no homozygotes.

Submissions (3):

CeGaT Center for Human Genetics Tuebingen
Classification: Likely benign. Last evaluated: 2026-07-01. Review status: criteria provided, single submitter. Criteria: CeGaT Center For Human Genetics Tuebingen Variant Classification Criteria Version 2. Collection method: clinical testing. Allele origin: germline. Affected: yes. Observed: 1 variant allele.
Comment: DVL1: BS2

Labcorp Genetics (formerly Invitae), Labcorp
Classification: Likely benign. Last evaluated: 2025-09-08. Review status: criteria provided, single submitter. Criteria: Invitae Variant Classification Sherloc (09022015). Collection method: clinical testing. Allele origin: germline.

Ambry Genetics
Classification: Uncertain significance for Inborn genetic diseases. Last evaluated: 2022-04-07. Review status: criteria provided, single submitter. Criteria: Ambry Variant Classification Scheme 2023. Collection method: clinical testing. Allele origin: germline.

NM_001330311.2(DVL1):c.1900G>T (p.Ala634Ser)

Gene: DVL1 (dishevelled segment polarity protein 1; minus strand). Cytogenetic location: 1p36.33.
Variant type: single nucleotide variant.
Coding change: c.1900G>T on transcript NM_001330311.2 (MANE Select); coding-DNA position 1900, G replaced by T.
Protein change: p.Ala634Ser; replaces alanine 634 with serine.
Molecular consequence: missense variant.
Genome position (GRCh38, 1-based): chr1:1,336,330, C>A on the plus strand (G>T on the coding strand, the complement: DVL1 is on the minus strand). VCF-style: chr1-1336330-C-A. GRCh37 (hg19) VCF-style: chr1-1271710-C-A.
Other names: c.1825G>T (NM_004421.2); c.1825G>T, p.Ala609Ser (NM_004421.3); short protein forms A609S, A634S.
Identifiers: ClinVar variation 1546111 (VCV001546111.11), dbSNP rs374846579, ClinGen allele CA519783.
Genomic context (GRCh38, chr1:1,336,330, plus strand): 5'-CCACTGTATAGGCCTTGGTCGTGGGGTGGGGCGGGGGGAGCCCCGGGGCGGTAGCCGAGG[C>A]CTGACTGCGTGGGCTGCTGCCACGGCTGAGCTGGCCGGCCGGACGCTCTCGCCAGCTGCT-3'
Protein context (NP_001317240.1, residues 624-644): LSRGSSPRSQ[Ala634Ser]SATAPGLPPP